The following is an entry in ClinVar:

NM_032656.4(DHX37):c.1405G>A (p.Ala469Thr)

Gene: DHX37 (DEAH-box helicase 37; minus strand). Cytogenetic location: 12q24.31.
Variant type: single nucleotide variant.
Coding change: c.1405G>A on transcript NM_032656.4 (MANE Select); coding-DNA position 1405, G replaced by A.
Protein change: p.Ala469Thr; replaces alanine 469 with threonine.
Molecular consequence: missense variant.
Genome position (GRCh38, 1-based): chr12:124,968,537, C>T on the plus strand (G>A on the coding strand, the complement: DHX37 is on the minus strand). VCF-style: chr12-124968537-C-T. GRCh37 (hg19) VCF-style: chr12-125453083-C-T.
Other names: short protein forms A469T.
Identifiers: ClinVar variation 2417504 (VCV002417504.6), dbSNP rs138583236, ClinGen allele CA6872050.
Genomic context (GRCh38, chr12:124,968,537, plus strand): 5'-TTTCAGCGAGGGTTTAGGAAGGGAGGCTTCTTTCCCCTGACCTGGCCAGGGCCTCACCTG[C>T]GGGCAGCATCCGGTGGATCTTGCAGACCTTCCGGAAGCACTCGCCACTGTAGTCTTCCAG-3'
Protein context (NP_116045.2, residues 459-479): KVCKIHRMLP[Ala469Thr]GGILVFLTGQ

ClinVar aggregate classification (germline): Uncertain significance (1 of 4 stars; one submission).

gnomAD v4.1: 93 of 1,612,852 alleles (0.0058%); highest among the groups gnomAD compares: Admixed American, 0.082%; 1 homozygote.

Submission:

Labcorp Genetics (formerly Invitae), Labcorp
Classification: Uncertain significance. Last evaluated: 2025-02-19. Review status: criteria provided, single submitter. Criteria: Invitae Variant Classification Sherloc (09022015). Collection method: clinical testing. Allele origin: germline.
Comment: This sequence change replaces alanine, which is neutral and non-polar, with threonine, which is neutral and polar, at codon 469 of the DHX37 protein (p.Ala469Thr). This variant is present in population databases (rs138583236, gnomAD 0.09%). This variant has not been reported in the literature in individuals affected with DHX37-related conditions. ClinVar contains an entry for this variant (Variation ID: 2417504). Invitae Evidence Modeling of protein sequence and biophysical properties (such as structural, functional, and spatial information, amino acid conservation, physicochemical variation, residue mobility, and thermodynamic stability) indicates that this missense variant is not expected to disrupt DHX37 protein function with a negative predictive value of 80%. In summary, the available evidence is currently insufficient to determine the role of this variant in disease. Therefore, it has been classified as a Variant of Uncertain Significance.